The following is an entry in ClinVar:

ClinVar aggregate classification (germline): Uncertain significance (1 of 4 stars; one submission).

Conditions:
Holoprosencephaly 5 (HPE5). Identifiers: Orphanet 2162, MedGen C1864827, MONDO:0012322, OMIM 609637.

Submission:

Labcorp Genetics (formerly Invitae), Labcorp
Classification: Uncertain significance for Holoprosencephaly 5. Last evaluated: 2024-10-23. Review status: criteria provided, single submitter. Criteria: Invitae Variant Classification Sherloc (09022015). Collection method: clinical testing. Allele origin: germline.
Comment: This variant, c.1397_1411del, results in the deletion of 5 amino acid(s) of the ZIC2 protein (p.Ala466_Ala470del), but otherwise preserves the integrity of the reading frame. The frequency data for this variant in the population databases is considered unreliable, as metrics indicate poor data quality at this position in the gnomAD database. This variant has not been reported in the literature in individuals affected with ZIC2-related conditions. ClinVar contains an entry for this variant (Variation ID: 1359654). Experimental studies and prediction algorithms are not available or were not evaluated, and the functional significance of this variant is currently unknown. In summary, the available evidence is currently insufficient to determine the role of this variant in disease. Therefore, it has been classified as a Variant of Uncertain Significance.

NM_007129.5(ZIC2):c.1397_1411del (p.Ala466_Ala470del)

Genes: ZIC2 (Zic family zinc finger 2; plus strand), LOC110008580 (Zic family member 2 polyalanine repeat instability region; plus strand). Cytogenetic location: 13q32.3.
Variant type: Deletion.
Coding change: c.1397_1411del on transcript NM_007129.5 (MANE Select); coding-DNA positions 1397 to 1411, 15 bases deleted (CGGCGGCGGCCGCGG).
Protein change: p.Ala466_Ala470del.
Molecular consequence: inframe deletion.
Genome position (GRCh38, 1-based): chr13:99,985,480-99,985,494, CGGCGGCGGCCGCGG deleted; deleting any 15 consecutive bases within chr13:99,985,476-99,985,494 gives the same sequence; the c. name uses the placement nearest the transcript's 3' end. VCF-style (leftmost placement, unchanged base first): chr13-99985475-TGCGGCGGCGGCGGCC-T. GRCh37 (hg19) VCF-style: chr13-100637729-TGCGGCGGCGGCGGCC-T.
Identifiers: ClinVar variation 1359654 (VCV001359654.6), dbSNP rs767890648, ClinGen allele CA7032996.